The following is an entry in ClinVar:

ClinVar aggregate classification (germline): Uncertain significance (1 of 4 stars; one submission).

Submission:

Labcorp Genetics (formerly Invitae), Labcorp
Classification: Uncertain significance. Last evaluated: 2023-12-02. Review status: criteria provided, single submitter. Criteria: Invitae Variant Classification Sherloc (09022015). Collection method: clinical testing. Allele origin: germline.
Comment: This sequence change replaces glutamic acid, which is acidic and polar, with arginine, which is basic and polar, at codon 66 of the ZNF513 protein (p.Glu66Arg). Information on the frequency of this variant in the gnomAD database is not available, as this variant may be reported differently in the database. This variant has not been reported in the literature in individuals affected with ZNF513-related conditions. An algorithm developed to predict the effect of missense changes on protein structure and function (PolyPhen-2) suggests that this variant is likely to be tolerated. In summary, the available evidence is currently insufficient to determine the role of this variant in disease. Therefore, it has been classified as a Variant of Uncertain Significance.

NM_144631.6(ZNF513):c.196_197delinsAG (p.Glu66Arg)

Gene: ZNF513 (zinc finger protein 513; minus strand). Cytogenetic location: 2p23.3.
Variant type: Indel.
Coding change: c.196_197delinsAG on transcript NM_144631.6 (MANE Select); coding-DNA positions 196 to 197, GA replaced by AG.
Protein change: p.Glu66Arg; replaces glutamic acid 66 with arginine.
Molecular consequence: missense variant.
Genome position (GRCh38, 1-based): chr2:27,380,107-27,380,108, TC replaced by CT on the plus strand (GA replaced by AG on the coding strand, the reverse complement: ZNF513 is on the minus strand). VCF-style: chr2-27380107-TC-CT. GRCh37 (hg19) VCF-style: chr2-27602974-TC-CT.
Other names: c.10_11delinsAG, p.Glu4Arg (NM_001201459.2); short protein forms E66R, E4R.
Identifiers: ClinVar variation 3008662 (VCV003008662.3), dbSNP rs2465629125, ClinGen allele CA2740092787.
Genomic context (GRCh38, chr2:27,380,107, plus strand): 5'-GGGTCTCCAGCGGCCGCTAATCCTTAACCAAGACCCGAAAACCCACCTTCCGAGTCTCTC[TC>CT]GAAGCCCATGAGCTGGTCACTGTTGCCGTCGCCTTCCTCCTCTTCCTCTTCCTCCTCAAA-3'
Protein context (NP_653232.3, residues 56-76): DGNSDQLMGF[Glu66Arg]RDSEGDSLGA